The following is an entry in ClinVar:

NM_001320752.2(STS):c.413G>A (p.Ser138Asn)

Gene: STS (steroid sulfatase; plus strand). Cytogenetic location: Xp22.31.
Variant type: single nucleotide variant.
Coding change: c.413G>A on transcript NM_001320752.2 (MANE Select); coding-DNA position 413, G replaced by A.
Protein change: p.Ser138Asn; replaces serine 138 with asparagine.
Molecular consequence: missense variant.
Genome position (GRCh38, 1-based): chrX:7,259,379, G>A. VCF-style: chrX-7259379-G-A. GRCh37 (hg19) VCF-style: chrX-7177420-G-A.
Other names: c.413G>A, p.Ser138Asn (NM_000351.7, NM_001320753.2, NM_001320754.2); c.449G>A, p.Ser150Asn (NM_001320750.3, NM_001320751.2); short protein forms S150N, S138N.
Identifiers: ClinVar variation 2794634 (VCV002794634.3), dbSNP rs2518622884, ClinGen allele CA412020427.

ClinVar aggregate classification (germline): Uncertain significance (1 of 4 stars; one submission).

Submission:

Labcorp Genetics (formerly Invitae), Labcorp
Classification: Uncertain significance. Last evaluated: 2024-10-28. Review status: criteria provided, single submitter. Criteria: Invitae Variant Classification Sherloc (09022015). Collection method: clinical testing. Allele origin: germline.
Comment: This sequence change replaces serine, which is neutral and polar, with asparagine, which is neutral and polar, at codon 143 of the STS protein (p.Ser143Asn). This variant is not present in population databases (gnomAD no frequency). This variant has not been reported in the literature in individuals affected with STS-related conditions. An algorithm developed to predict the effect of missense changes on protein structure and function outputs the following: PolyPhen-2: "Benign". The asparagine amino acid residue is found in multiple mammalian species, which suggests that this missense change does not adversely affect protein function. In summary, the available evidence is currently insufficient to determine the role of this variant in disease. Therefore, it has been classified as a Variant of Uncertain Significance.